The following is an entry in ClinVar:

GRCh37/hg19 Xp22.31(chrX:6458166-8135053)x2

Genes: PNPLA4 (patatin like domain 4, phospholipase and triacylglycerol lipase; minus strand), PUDP (pseudouridine 5'-phosphatase; minus strand), STS (steroid sulfatase; plus strand), VCX (variable charge X-linked; plus strand). Cytogenetic location: Xp22.31.
Variant type: copy number gain.
Change: copy number 2 of chrX:6,458,166-8,135,053 (1.68 Mb, GRCh37 coordinates, 1-based), cytogenetic band Xp22.31.
Identifiers: ClinVar variation 929372 (VCV000929372.2).

ClinVar aggregate classification (germline): Likely pathogenic (1 of 4 stars; one submission).

Submission:

Clinical Genomics Laboratory, Laboratory for Precision Diagnostics, University of Washington
Classification: Likely pathogenic. Last evaluated: 2019-10-08. Review status: criteria provided, single submitter. Criteria: Clinical Cytogenomics Laboratory Policy on CNV Interpretation. Collection method: clinical testing. Allele origin: unknown. Affected: yes. Observed: 1 variant allele.

Literature cited by the submitters: PubMed 30603611; PubMed 22140086; PubMed 21739574; PubMed 20132918; PubMed 21355048; PubMed 28690489; PubMed 24038936.